The following is an entry in ClinVar:

NM_174936.4(PCSK9):c.1891A>G (p.Thr631Ala)

Gene: PCSK9 (proprotein convertase subtilisin/kexin type 9; plus strand). Cytogenetic location: 1p32.3.
Variant type: single nucleotide variant.
Coding change: c.1891A>G on transcript NM_174936.4 (MANE Select); coding-DNA position 1891, A replaced by G.
Protein change: p.Thr631Ala; replaces threonine 631 with alanine.
Molecular consequence: missense variant.
Genome position (GRCh38, 1-based): chr1:55,063,396, A>G. VCF-style: chr1-55063396-A-G. GRCh37 (hg19) VCF-style: chr1-55529069-A-G.
Other names: c.1834A>G, p.Thr612Ala (NM_001407243.1); c.1717A>G, p.Thr573Ala (NM_001407244.1); c.1699A>G, p.Thr567Ala (NM_001407245.1); c.1516A>G, p.Thr506Ala (NM_001407246.1); c.1390A>G, p.Thr464Ala (NM_001407247.1); c.2014A>G, p.Thr672Ala (NM_001407240.1); c.1933A>G, p.Thr645Ala (NM_001407241.1); c.1894A>G, p.Thr632Ala (NM_001407242.1); short protein forms T631A, T573A, T567A, T506A, T645A, T464A, T612A, T632A.
Identifiers: ClinVar variation 924067 (VCV000924067.5), dbSNP rs1644777177, ClinGen allele CA340480601.

ClinVar aggregate classification (germline): Uncertain significance (1 of 4 stars; one submission).

Conditions:
Familial hypercholesterolemia. Also called: Familial hypercholesterolaemia. Identifiers: MedGen C0020445, MONDO:0005439.

Submission:

Color Diagnostics, LLC DBA Color Health
Classification: Uncertain significance for Familial hypercholesterolemia. Last evaluated: 2024-03-06. Review status: criteria provided, single submitter. Criteria: ACMG Guidelines, 2015. Collection method: clinical testing. Allele origin: germline.
Comment: This missense variant replaces threonine with alanine at codon 631 of the PCSK9 protein. Computational prediction tool suggests that this variant may not impact protein structure and function (internally defined REVEL score threshold <=0.5, PMID: 27666373). Splice site prediction tools suggest that this variant may not impact RNA splicing. To our knowledge, functional studies have not been performed for this variant. This variant has not been reported in individuals affected with familial hypercholesterolemia in the literature. This variant has not been identified in the general population by the Genome Aggregation Database (gnomAD). The available evidence is insufficient to determine the role of this variant in disease conclusively. Therefore, this variant is classified as a Variant of Uncertain Significance.